The following is an entry in ClinVar:

ClinVar aggregate classification (germline): Uncertain significance (1 of 4 stars; one submission).

Conditions:
Gamma-aminobutyric acid transaminase deficiency (GABATD). Also called: GABA transaminase deficiency; Gamma aminobutyrate transaminase deficiency; 4 alpha aminobutyrate transaminase deficiency; GABA aminotransaminase deficiency. Identifiers: Orphanet 2066, MedGen C0342708, MONDO:0013166, OMIM 613163.

Submission:

Labcorp Genetics (formerly Invitae), Labcorp
Classification: Uncertain significance for Gamma-aminobutyric acid transaminase deficiency. Last evaluated: 2022-06-27. Review status: criteria provided, single submitter. Criteria: Invitae Variant Classification Sherloc (09022015). Collection method: clinical testing. Allele origin: germline.
Comment: Algorithms developed to predict the effect of missense changes on protein structure and function are either unavailable or do not agree on the potential impact of this missense change (SIFT: "Tolerated"; PolyPhen-2: "Possibly Damaging"; Align-GVGD: "Class C0"). This variant has not been reported in the literature in individuals affected with ABAT-related conditions. This variant is not present in population databases (gnomAD no frequency). This sequence change replaces alanine, which is neutral and non-polar, with glutamic acid, which is acidic and polar, at codon 350 of the ABAT protein (p.Ala350Glu). In summary, the available evidence is currently insufficient to determine the role of this variant in disease. Therefore, it has been classified as a Variant of Uncertain Significance.

NM_020686.6(ABAT):c.1049C>A (p.Ala350Glu)

Gene: ABAT (4-aminobutyrate aminotransferase; plus strand). Cytogenetic location: 16p13.2.
Variant type: single nucleotide variant.
Coding change: c.1049C>A on transcript NM_020686.6 (MANE Select); coding-DNA position 1049, C replaced by A.
Protein change: p.Ala350Glu; replaces alanine 350 with glutamic acid.
Molecular consequence: missense variant.
Genome position (GRCh38, 1-based): chr16:8,774,984, C>A. VCF-style: chr16-8774984-C-A. GRCh37 (hg19) VCF-style: chr16-8868841-C-A.
Other names: c.1049C>A, p.Ala350Glu (NM_000663.5, NM_001127448.2, NM_001386600.1 and 6 more transcripts); c.1010C>A, p.Ala337Glu (NM_001386605.1); c.986C>A, p.Ala329Glu (NM_001386606.1, NM_001386607.1); c.956C>A, p.Ala319Glu (NM_001386608.1); c.914C>A, p.Ala305Glu (NM_001386610.1, NM_001386611.1); c.851C>A, p.Ala284Glu (NM_001386612.1, NM_001386613.1); c.803C>A, p.Ala268Glu (NM_001386614.1); c.1145C>A, p.Ala382Glu (NM_001386615.1); short protein forms A305E, A382E, A268E, A284E, A319E, A329E, A337E, A350E.
Identifiers: ClinVar variation 1516622 (VCV001516622.8), dbSNP rs2060224233, ClinGen allele CA394689944.